The following is an entry in ClinVar:

ClinVar aggregate classification (germline): Uncertain significance (1 of 4 stars; one submission).

gnomAD v4.1: 1 of 1,613,630 alleles (0.000062%); highest among the groups gnomAD compares: Non-Finnish European, 0.000085%; no homozygotes.

Submission:

GeneDx
Classification: Uncertain significance. Last evaluated: 2026-04-03. Review status: criteria provided, single submitter. Criteria: GeneDx Variant Classification Process June 2021. Collection method: clinical testing. Allele origin: germline.
Comment: Not observed at significant frequency in large population cohorts (gnomAD); In silico analysis supports that this missense variant has a deleterious effect on protein structure/function; Has not been previously published as pathogenic or benign to our knowledge

NM_001039141.3(TRIOBP):c.5492A>G (p.Asp1831Gly)

Genes: TRIOBP (TRIO and F-actin binding protein; plus strand), LOC126863145 (CDK7 strongly-dependent group 2 enhancer GRCh37_chr22:38150829-38152028; plus strand). Cytogenetic location: 22q13.1.
Variant type: single nucleotide variant.
Coding change: c.5492A>G on transcript NM_001039141.3 (MANE Select); coding-DNA position 5492, A replaced by G.
Protein change: p.Asp1831Gly; replaces aspartic acid 1831 with glycine.
Molecular consequence: missense variant.
Genome position (GRCh38, 1-based): chr22:37,755,105, A>G. VCF-style: chr22-37755105-A-G. GRCh37 (hg19) VCF-style: chr22-38151112-A-G.
Other names: c.353A>G, p.Asp118Gly (NM_007032.5, NM_138632.2); short protein forms D118G, D1831G.
Identifiers: ClinVar variation 5017689 (VCV005017689.1).
Genomic context (GRCh38, chr22:37,755,105, plus strand): 5'-ACTGGGGTGGGTCACACCAGGGCCCACACGGACCATAGTGGGCCCTCTTGCTCCAGGCAG[A>G]TGAGCTGGATGGTGAGATCGACCTGCGTTCCTGCACGGATGTCACTGAGTACGCGGTGCA-3'
Protein context (NP_001034230.1, residues 1821-1841): YYRDSTAEEA[Asp1831Gly]ELDGEIDLRS